The following is an entry in ClinVar:

NM_000552.5(VWF):c.8336C>T (p.Thr2779Met)

Gene: VWF (von Willebrand factor; minus strand). Cytogenetic location: 12p13.31.
Variant type: single nucleotide variant.
Coding change: c.8336C>T on transcript NM_000552.5 (MANE Select); coding-DNA position 8336, C replaced by T.
Protein change: p.Thr2779Met; replaces threonine 2779 with methionine.
Molecular consequence: missense variant.
Genome position (GRCh38, 1-based): chr12:5,949,121, G>A on the plus strand (C>T on the coding strand, the complement: VWF is on the minus strand). VCF-style: chr12-5949121-G-A. GRCh37 (hg19) VCF-style: chr12-6058287-G-A.
Other names: c.8336C>T (NM_000552.3, NM_000552.4); short protein forms T2779M.
Identifiers: ClinVar variation 2465535 (VCV002465535.4), dbSNP rs374314985, ClinGen allele CA6401327.

ClinVar aggregate classification (germline): Uncertain significance. Review status: criteria provided, multiple submitters, no conflicts (2 of 4 stars). 3 submissions from 3 submitters: Uncertain significance (3). Last evaluated 2025-04-02.

Conditions:
Inborn genetic diseases. Identifiers: MedGen C0950123, MeSH D030342.

Allele frequency attached by ClinVar (database versions not stated): ExAC 0.00004; TOPMed 0.00005; gnomAD 0.00007; ESP Exome Variant Server 0.00008; gnomAD exomes 0.00010 and 0.00002.
gnomAD v4.1: 42 of 1,614,102 alleles (0.0026%); highest among the groups gnomAD compares: Admixed American, 0.04%; no homozygotes.

Submissions (3):

GeneDx
Classification: Uncertain significance. Last evaluated: 2025-04-02. Review status: criteria provided, single submitter. Criteria: GeneDx Variant Classification Process June 2021. Collection method: clinical testing. Allele origin: germline. Affected: yes.
Comment: In silico analysis indicates that this missense variant does not alter protein structure/function; Has not been previously published as pathogenic or benign to our knowledge

Quest Diagnostics Nichols Institute San Juan Capistrano
Classification: Uncertain significance. Last evaluated: 2023-09-26. Review status: criteria provided, single submitter. Criteria: Quest Diagnostics criteria. Collection method: clinical testing. Allele origin: unknown.

Ambry Genetics
Classification: Uncertain significance for Inborn genetic diseases. Last evaluated: 2023-02-23. Review status: criteria provided, single submitter. Criteria: Ambry Variant Classification Scheme 2023. Collection method: clinical testing. Allele origin: germline.